The following is an entry in ClinVar:

NM_005515.4(MNX1):c.407G>C (p.Gly136Ala)

Genes: MNX1 (motor neuron and pancreas homeobox 1; minus strand), LOC129999736 (ATAC-STARR-seq lymphoblastoid silent region 18858; plus strand). Cytogenetic location: 7q36.3.
Variant type: single nucleotide variant.
Coding change: c.407G>C on transcript NM_005515.4 (MANE Select); coding-DNA position 407, G replaced by C.
Protein change: p.Gly136Ala; replaces glycine 136 with alanine.
Molecular consequence: missense variant.
Genome position (GRCh38, 1-based): chr7:157,009,944, C>G on the plus strand (G>C on the coding strand, the complement: MNX1 is on the minus strand). VCF-style: chr7-157009944-C-G. GRCh37 (hg19) VCF-style: chr7-156802638-C-G.
Other names: short protein forms G136A.
Identifiers: ClinVar variation 2131016 (VCV002131016.4), dbSNP rs1246023206, ClinGen allele CA370164617.

ClinVar aggregate classification (germline): Uncertain significance (1 of 4 stars; one submission).

Submission:

Labcorp Genetics (formerly Invitae), Labcorp
Classification: Uncertain significance. Last evaluated: 2022-04-28. Review status: criteria provided, single submitter. Criteria: Invitae Variant Classification Sherloc (09022015). Collection method: clinical testing. Allele origin: germline.
Comment: In summary, the available evidence is currently insufficient to determine the role of this variant in disease. Therefore, it has been classified as a Variant of Uncertain Significance. Algorithms developed to predict the effect of missense changes on protein structure and function are either unavailable or do not agree on the potential impact of this missense change (SIFT: "Deleterious"; PolyPhen-2: "Not Available"; Align-GVGD: "Class C0"). This variant has not been reported in the literature in individuals affected with MNX1-related conditions. The frequency data for this variant in the population databases is considered unreliable, as metrics indicate insufficient coverage at this position in the gnomAD database. This sequence change replaces glycine, which is neutral and non-polar, with alanine, which is neutral and non-polar, at codon 136 of the MNX1 protein (p.Gly136Ala).